The following is an entry in ClinVar:

NM_003730.6(RNASET2):c.590G>A (p.Gly197Asp)

Gene: RNASET2 (ribonuclease T2; minus strand). Cytogenetic location: 6q27.
Variant type: single nucleotide variant.
Coding change: c.590G>A on transcript NM_003730.6 (MANE Select); coding-DNA position 590, G replaced by A.
Protein change: p.Gly197Asp; replaces glycine 197 with aspartic acid.
Molecular consequence: missense variant.
Genome position (GRCh38, 1-based): chr6:166,929,769, C>T on the plus strand (G>A on the coding strand, the complement: RNASET2 is on the minus strand). VCF-style: chr6-166929769-C-T. GRCh37 (hg19) VCF-style: chr6-167343257-C-T.
Other names: short protein forms G197D.
Identifiers: ClinVar variation 1931209 (VCV001931209.2), dbSNP rs762901010, ClinGen allele CA4094839.

ClinVar aggregate classification (germline): Uncertain significance (1 of 4 stars; one submission).

Allele frequency attached by ClinVar (database versions not stated): gnomAD exomes below 0.00001; TOPMed below 0.00001; ExAC 0.00001; gnomAD 0.00001.
gnomAD v4.1: 3 of 1,613,952 alleles (0.00019%); highest among the groups gnomAD compares: Admixed American, 0.0033%; no homozygotes.

Submission:

Labcorp Genetics (formerly Invitae), Labcorp
Classification: Uncertain significance. Last evaluated: 2022-07-24. Review status: criteria provided, single submitter. Criteria: Invitae Variant Classification Sherloc (09022015). Collection method: clinical testing. Allele origin: germline.
Comment: This sequence change replaces glycine, which is neutral and non-polar, with aspartic acid, which is acidic and polar, at codon 197 of the RNASET2 protein (p.Gly197Asp). This variant is present in population databases (rs762901010, gnomAD 0.003%). This variant has not been reported in the literature in individuals affected with RNASET2-related conditions. Algorithms developed to predict the effect of missense changes on protein structure and function are either unavailable or do not agree on the potential impact of this missense change (SIFT: "Deleterious"; PolyPhen-2: "Probably Damaging"; Align-GVGD: "Class C15"). In summary, the available evidence is currently insufficient to determine the role of this variant in disease. Therefore, it has been classified as a Variant of Uncertain Significance.